The following is an entry in ClinVar:

NM_004655.4(AXIN2):c.1060-5T>C

Gene: AXIN2 (axin 2; minus strand). Cytogenetic location: 17q24.1.
Variant type: single nucleotide variant.
Coding change: c.1060-5T>C on transcript NM_004655.4 (MANE Select); 5 bases into the intron before coding-DNA position 1060, T replaced by C.
Molecular consequence: intron variant.
Genome position (GRCh38, 1-based): chr17:65,538,348, A>G on the plus strand (T>C on the coding strand, the complement: AXIN2 is on the minus strand). VCF-style: chr17-65538348-A-G. GRCh37 (hg19) VCF-style: chr17-63534466-A-G.
Other names: c.1060-5T>C (NM_001363813.1).
Identifiers: ClinVar variation 3379081 (VCV003379081.1).

ClinVar aggregate classification (germline): Likely benign (1 of 4 stars; one submission).

Conditions:
Oligodontia-cancer predisposition syndrome. Also called: TOOTH AGENESIS-COLORECTAL CANCER SYNDROME. Identifiers: Orphanet 300576, MedGen C1837750, MONDO:0012075, OMIM 608615. Disease mechanism: loss of function.

Submission:

Myriad Genetics, Inc.
Classification: Likely benign for Oligodontia-cancer predisposition syndrome. Last evaluated: 2024-07-01. Review status: criteria provided, single submitter. Criteria: Myriad Autosomal Dominant, Autosomal Recessive and X-Linked Classification Criteria (2023). Collection method: clinical testing. Allele origin: unknown.
Comment: This variant is considered likely benign. This variant is intronic and is not expected to impact mRNA splicing.